The following is an entry in ClinVar:

ClinVar aggregate classification (germline): Conflicting classifications of pathogenicity. Review status: criteria provided, conflicting classifications (1 of 4 stars). 2 submissions from 2 submitters: Uncertain significance (1); Likely benign (1). Last evaluated 2024-04-22.

Conditions:
Inborn genetic diseases. Identifiers: MedGen C0950123, MeSH D030342.

Allele frequency attached by ClinVar (database versions not stated): gnomAD 0.00001; gnomAD exomes 0.00002; TOPMed 0.00002; ExAC 0.00003.

Submissions (2):

Labcorp Genetics (formerly Invitae), Labcorp
Classification: Uncertain significance. Last evaluated: 2024-04-22. Review status: criteria provided, single submitter. Criteria: Invitae Variant Classification Sherloc (09022015). Collection method: clinical testing. Allele origin: germline.
Comment: This sequence change replaces valine, which is neutral and non-polar, with alanine, which is neutral and non-polar, at codon 312 of the FASTKD2 protein (p.Val312Ala). This variant is present in population databases (rs780603742, gnomAD 0.02%). This variant has not been reported in the literature in individuals affected with FASTKD2-related conditions. ClinVar contains an entry for this variant (Variation ID: 1986420). Advanced modeling of protein sequence and biophysical properties (such as structural, functional, and spatial information, amino acid conservation, physicochemical variation, residue mobility, and thermodynamic stability) performed at Invitae indicates that this missense variant is not expected to disrupt FASTKD2 protein function with a negative predictive value of 80%. In summary, the available evidence is currently insufficient to determine the role of this variant in disease. Therefore, it has been classified as a Variant of Uncertain Significance.

Ambry Genetics
Classification: Likely benign for Inborn genetic diseases. Last evaluated: 2022-08-12. Review status: criteria provided, single submitter. Criteria: Ambry Variant Classification Scheme 2023. Collection method: clinical testing. Allele origin: germline.

NM_001136193.2(FASTKD2):c.935T>C (p.Val312Ala)

Gene: FASTKD2 (FAST kinase domains 2; plus strand). Cytogenetic location: 2q33.3.
Variant type: single nucleotide variant.
Coding change: c.935T>C on transcript NM_001136193.2 (MANE Select); coding-DNA position 935, T replaced by C.
Protein change: p.Val312Ala; replaces valine 312 with alanine.
Molecular consequence: missense variant.
Genome position (GRCh38, 1-based): chr2:206,771,235, T>C. VCF-style: chr2-206771235-T-C. GRCh37 (hg19) VCF-style: chr2-207635959-T-C.
Other names: c.935T>C, p.Val312Ala (NM_001136194.2, NM_014929.4); short protein forms V312A.
Identifiers: ClinVar variation 1986420 (VCV001986420.5), dbSNP rs780603742, ClinGen allele CA2075003.